The following is an entry in ClinVar:

NM_024642.5(GALNT12):c.1345-4T>G

Gene: GALNT12 (polypeptide N-acetylgalactosaminyltransferase 12; plus strand). Cytogenetic location: 9q22.33.
Variant type: single nucleotide variant.
Coding change: c.1345-4T>G on transcript NM_024642.5 (MANE Select); 4 bases into the intron before coding-DNA position 1345, T replaced by G.
Molecular consequence: intron variant.
Genome position (GRCh38, 1-based): chr9:98,844,092, T>G. VCF-style: chr9-98844092-T-G. GRCh37 (hg19) VCF-style: chr9-101606374-T-G.
Identifiers: ClinVar variation 1770444 (VCV001770444.2), dbSNP rs2490552113, ClinGen allele CA2580080850.
Genomic context (GRCh38, chr9:98,844,092, plus strand): 5'-CTTGTGTGGCATCTGTTAGTGTCTATAAATCTGGACTGAAATGCCACATTTATGTTTTAT[T>G]TAGCTCCAGAACAAAGGACTAACAGACTACTGCTTTGACTATAACCCTCCCGATGAAAAC-3'

ClinVar aggregate classification (germline): Uncertain significance (1 of 4 stars; one submission).

Submission:

Ambry Genetics
Classification: Uncertain significance. Last evaluated: 2021-03-01. Review status: criteria provided, single submitter. Criteria: Ambry Variant Classification Scheme 2023. Collection method: clinical testing. Allele origin: germline.
Comment: The c.1345-4T>G intronic variant results from a T to G substitution 4 nucleotides upstream from coding exon 8 in the GALNT12 gene. This nucleotide position is not well conserved in available vertebrate species. In silico splice site analysis predicts that this alteration will not have any significant effect on splicing. Since supporting evidence is limited at this time, the clinical significance of this alteration remains unclear.